The following is an entry in ClinVar:

ClinVar aggregate classification (germline): Uncertain significance (1 of 4 stars; one submission).

Conditions:
Cardiovascular phenotype. Identifiers: MedGen CN230736.

Submission:

Ambry Genetics
Classification: Uncertain significance for Cardiovascular phenotype. Last evaluated: 2025-06-10. Review status: criteria provided, single submitter. Criteria: Ambry Variant Classification Scheme 2023. Collection method: clinical testing. Allele origin: germline.
Comment: The p.S2685N variant (also known as c.8054G>A), located in coding exon 32 of the AKAP9 gene, results from a G to A substitution at nucleotide position 8054. The serine at codon 2685 is replaced by asparagine, an amino acid with highly similar properties. This amino acid position is conserved. In addition, this alteration is predicted to be tolerated by in silico analysis. Based on the available evidence, the clinical significance of this variant remains unclear.

NM_005751.5(AKAP9):c.8054G>A (p.Ser2685Asn)

Gene: AKAP9 (A-kinase anchoring protein 9; plus strand). Cytogenetic location: 7q21.2.
Variant type: single nucleotide variant.
Coding change: c.8054G>A on transcript NM_005751.5 (MANE Select); coding-DNA position 8054, G replaced by A.
Protein change: p.Ser2685Asn; replaces serine 2685 with asparagine.
Molecular consequence: missense variant.
Genome position (GRCh38, 1-based): chr7:92,082,556, G>A. VCF-style: chr7-92082556-G-A. GRCh37 (hg19) VCF-style: chr7-91711870-G-A.
Other names: c.2699G>A, p.Ser900Asn (NM_001379277.1); c.8030G>A, p.Ser2677Asn (NM_147185.3); short protein forms S2677N, S900N, S2685N.
Identifiers: ClinVar variation 4034285 (VCV004034285.1).